The following is an entry in ClinVar:

ClinVar aggregate classification (germline): Uncertain significance (1 of 4 stars; one submission).

Submission:

Labcorp Genetics (formerly Invitae), Labcorp
Classification: Uncertain significance. Last evaluated: 2025-01-19. Review status: criteria provided, single submitter. Criteria: Invitae Variant Classification Sherloc (09022015). Collection method: clinical testing. Allele origin: germline.
Comment: This sequence change creates a premature translational stop signal (p.Ser1340Profs*8) in the MACF1 gene. It is expected to result in an absent or disrupted protein product. However, the current clinical and genetic evidence is not sufficient to establish whether loss-of-function variants in MACF1 cause disease. This variant is not present in population databases (gnomAD no frequency). This variant has not been reported in the literature in individuals affected with MACF1-related conditions. In summary, the available evidence is currently insufficient to determine the role of this variant in disease. Therefore, it has been classified as a Variant of Uncertain Significance.

NM_001394062.1(MACF1):c.4003del (p.Ser1335fs)

Gene: MACF1 (microtubule actin crosslinking factor 1; plus strand). Cytogenetic location: 1p34.3.
Variant type: Deletion.
Coding change: c.4003del on transcript NM_001394062.1 (MANE Select); coding-DNA position 4003, one base deleted (T; older notation c.4003delT).
Protein change: p.Ser1335fs; shifts the reading frame from serine 1335.
Molecular consequence: frameshift variant.
Genome position (GRCh38, 1-based): chr1:39,319,721, T deleted; the last of 4 consecutive T bases (chr1:39,319,718-39,319,721); deleting any one gives the same sequence. VCF-style (leftmost placement, unchanged base first): chr1-39319717-AT-A. GRCh37 (hg19) VCF-style: chr1-39785389-AT-A.
Other names: c.4018del, p.Ser1340fs (NM_012090.5); short protein forms S1340fs, S1335fs.
Identifiers: ClinVar variation 3729231 (VCV003729231.2).